The following is an entry in ClinVar:

ClinVar aggregate classification (germline): Uncertain significance (1 of 4 stars; one submission).

Submission:

Labcorp Genetics (formerly Invitae), Labcorp
Classification: Uncertain significance. Last evaluated: 2022-10-18. Review status: criteria provided, single submitter. Criteria: Invitae Variant Classification Sherloc (09022015). Collection method: clinical testing. Allele origin: germline.
Comment: This sequence change creates a premature translational stop signal (p.Pro88Alafs*45) in the PDE4D gene. It is expected to result in an absent or disrupted protein product. However, the current clinical and genetic evidence is not sufficient to establish whether loss-of-function variants in PDE4D cause disease. This variant is not present in population databases (gnomAD no frequency). This variant has not been reported in the literature in individuals affected with PDE4D-related conditions. In summary, the available evidence is currently insufficient to determine the role of this variant in disease. Therefore, it has been classified as a Variant of Uncertain Significance.

NM_001104631.2(PDE4D):c.261_273del (p.Pro88fs)

Gene: PDE4D (phosphodiesterase 4D; minus strand). Cytogenetic location: 5q12.1.
Variant type: Deletion.
Coding change: c.261_273del on transcript NM_001104631.2 (MANE Select); coding-DNA positions 261 to 273, 13 bases deleted (GCCCGGGGCTGCC).
Protein change: p.Pro88fs; shifts the reading frame from proline 88.
Molecular consequence: frameshift variant. On other transcripts: intron variant (5).
Genome position (GRCh38, 1-based): chr5:59,893,350-59,893,362, GGCAGCCCCGGGC deleted on the plus strand (GCCCGGGGCTGCC on the coding strand, the reverse complement: PDE4D is on the minus strand); deleting any 13 consecutive bases within chr5:59,893,350-59,893,365 gives the same sequence; the c. name uses the placement nearest the transcript's 3' end. VCF-style (leftmost placement, unchanged base first): chr5-59893349-GGGCAGCCCCGGGC-G. GRCh37 (hg19) VCF-style: chr5-59189176-GGGCAGCCCCGGGC-G.
Other names: c.272+95126_272+95138del (NM_001364599.1, NM_001165899.2, NM_001364600.2); c.-240+95126_-240+95138del (NM_001349243.2); c.242+95126_242+95138del (NM_001349241.2); short protein forms P88fs.
Identifiers: ClinVar variation 2063535 (VCV002063535.4), dbSNP rs2534918096, ClinGen allele CA2580073341.
Genomic context (GRCh38, chr5:59,893,349, plus strand): 5'-TGTCCGAGTAGCCGCGATGCCGGACGCGGCCGGTGGCCCCGCTCGAGGCGTAGCGGCCGC[GGGCAGCCCCGGGC>G]GGCGGCGGGGGCGGCGGCAGGGGGGGCGGCGGCGGCGGCTGTAGCGGACACTGGGGCTGG-3'